The following is an entry in ClinVar:

NM_002185.5(IL7R):c.221+2T>G

Gene: IL7R (interleukin 7 receptor; plus strand). Cytogenetic location: 5p13.2.
Variant type: single nucleotide variant.
Coding change: c.221+2T>G on transcript NM_002185.5 (MANE Select); the canonical splice donor site of the intron after coding-DNA position 221, T replaced by G.
Molecular consequence: splice donor variant.
Genome position (GRCh38, 1-based): chr5:35,860,992, T>G. VCF-style: chr5-35860992-T-G. GRCh37 (hg19) VCF-style: chr5-35861094-T-G.
Other names: IVS2DS, T-G, +2; c.221+2T>G (NM_001410734.1).
Identifiers: ClinVar variation 265195 (VCV000265195.20), dbSNP rs200044623, ClinGen allele CA3231864.

ClinVar aggregate classification (germline): Pathogenic. Review status: reviewed by expert panel (3 of 4 stars). 7 submissions from 7 submitters: Pathogenic (1). 6 of the submissions do not count toward it. Last evaluated 2026-07-31.

Conditions:
IL7R-related disorders.
IL7R-related disorder. Also called: IL7R-related condition.
Immunodeficiency 104. Also called: Severe Combined Immune Deficiency, Autosomal Recessive, TCell -Negative, B Cell-Positive, NK Cell-Positive, IL7R-Related; IMMUNODEFICIENCY 104, SEVERE COMBINED; SCID, AUTOSOMAL RECESSIVE, T CELL-NEGATIVE, B CELL-POSITIVE, NK CELL-POSITIVE; Severe combined immunodeficiency, autosomal recessive, T cell-negative, B cell-positive, NK cell-positive. Identifiers: MedGen C5676890, MONDO:0012163, OMIM 608971.

Allele frequency attached by ClinVar (database versions not stated): ExAC 0.00002; gnomAD 0.00002; TOPMed 0.00002; gnomAD exomes 0.00004 and 0.00008.
gnomAD v4.1: 112 of 1,613,156 alleles (0.0069%); highest among the groups gnomAD compares: Non-Finnish European, 0.0092%; no homozygotes.

Submissions (7):

ClinGen Severe Combined Immunodeficiency Variant Curation Expert Panel, ClinGen
Classification: Pathogenic for Immunodeficiency 104. Last evaluated: 2026-07-31. Review status: reviewed by expert panel. Criteria: ClinGen SCID ACMG Specifications IL7R V2.2. Collection method: curation. Allele origin: germline. Inheritance: Autosomal recessive inheritance.
Comment: The (NM_002185.5(IL7R):c.221+2T>G variant in IL7R is a canonical donor splice site (+2) of intron 2 predicted to affect splicing by SpliceAI (Δ score = Donor Loss = 0.99), resulting in biologically relevant exon 2. This leads to nonsense-mediated decay, confirmed through in vitro assays (PMID: 27807805) in a gene in which loss-of-function is an established disease mechanism (PVS1_met). This variant is present in gnomAD V4 at a popmax filtering allele frequency of 0.00007827 in the European (Non-Finnish) population, not meeting BS1, BA1, and PM2_Supporting. This variant has been detected in 3 individuals with SCID. Of those individuals, 3 were assumed to be compound heterozygous for the variant and a variant of uncertain significance (2 out of 3 were deletions of exon 3), though none were confirmed in trans (P6.2: c.221+2T>G and Ex3del, P8: c.221+2T>G and Ex3del, P13: c.221+2T>G and c.76C>T(p.Q26X)) (PMID: 27807805). However, as PM2 is not met, c.221+2T>G is not considered sufficiently rare for PM3 to be assessed. The publication did not provide enough data for the proband to meet the diagnostic criteria for SCID/Leaky SCID/Omenn syndrome. However, the patient was clinically diagnosed with SCID and whole exome sequencing was conducted which did not provide an alternative genetic explanation for the phenotype (PMID: 27807805). CD127 surface expression measured via FACs was absent on PBMCs from the proband. Reduced IL-7-induced phosphorylation of STAT5 in patient-derived T-cells was shown and any pathogenic or likely pathogenic variants in IL2RG, JAK3, STAT5A, and STAT5B have been excluded. In summary, this variant meets the criteria to be classified as Pathogenic for autosomal recessive SCID based on the ACMG/AMP criteria applied, as specified by the ClinGen SCID VCEP: PVS1_met and PP4_Strong (VCEP specifications version 2.2).

PreventionGenetics, part of Exact Sciences
Classification: Pathogenic for IL7R-related condition. Last evaluated: 2026-08-26. Review status: criteria provided, single submitter. Criteria: ACMG Guidelines, 2015. Collection method: clinical testing. Allele origin: germline. Not counted in ClinVar's aggregate classification.
Comment: The IL7R c.221+2T>G variant is predicted to disrupt the GT donor site and interfere with normal splicing. This variant has been reported in the compound heterozygous state in at least two individuals with T-B+NK+ severe combined immunodeficiency (Engelhardt et al. 2017. PubMed ID: 27807805). This variant is reported in 0.0079% of alleles in individuals of European (Non-Finnish) descent in gnomAD. Variants that disrupt the consensus splice donor site in IL7R are expected to be pathogenic. This variant is interpreted as pathogenic.

Labcorp Genetics (formerly Invitae), Labcorp
Classification: Pathogenic for Immunodeficiency 104. Last evaluated: 2025-04-27. Review status: criteria provided, single submitter. Criteria: Invitae Variant Classification Sherloc (09022015). Collection method: clinical testing. Allele origin: germline. Not counted in ClinVar's aggregate classification.
Comment: This sequence change affects a donor splice site in intron 2 of the IL7R gene. It is expected to disrupt RNA splicing. Variants that disrupt the donor or acceptor splice site typically lead to a loss of protein function (PMID: 16199547), and loss-of-function variants in IL7R are known to be pathogenic (PMID: 21664875, 26123418). This variant is present in population databases (rs200044623, gnomAD 0.008%). Disruption of this splice site has been observed in individuals with severe combined immunodeficiency (PMID: 27807805). ClinVar contains an entry for this variant (Variation ID: 265195). Algorithms developed to predict the effect of sequence changes on RNA splicing suggest that this variant may disrupt the consensus splice site. For these reasons, this variant has been classified as Pathogenic.

Blueprint Genetics
Classification: Pathogenic for IL7R-related disorders. Last evaluated: 2022-05-04. Review status: criteria provided, single submitter. Criteria: ACMG Guidelines, 2015. Collection method: clinical testing. Allele origin: germline. Affected: yes. Observed: 5 variant alleles. Not counted in ClinVar's aggregate classification.

Fulgent Genetics
Classification: Pathogenic for Immunodeficiency 104. Last evaluated: 2021-10-29. Review status: criteria provided, single submitter. Criteria: ACMG Guidelines, 2015. Collection method: clinical testing. Allele origin: unknown. Not counted in ClinVar's aggregate classification.

GeneDx
Classification: Pathogenic. Last evaluated: 2015-04-10. Review status: criteria provided, single submitter. Criteria: GeneDx Variant Classification (06012015). Collection method: clinical testing. Allele origin: germline. Affected: yes. Not counted in ClinVar's aggregate classification.
Comment: The c.221+2 T>G splice site variant in the IL7R gene destroys the canonical splice donor site in intron 2. It is predicted to cause abnormal gene splicing, either leading to an abnormal message that is subject to nonsense-mediated mRNA decay, or to an abnormal protein product if the message is used for protein translation.

OMIM
Classification: Pathogenic for IMMUNODEFICIENCY 104, SEVERE COMBINED. Last evaluated: 1998-12-01. Review status: no assertion criteria provided. Collection method: literature only. Allele origin: germline. Not counted in ClinVar's aggregate classification.

Literature cited by the submitters: PubMed 16199547 (cited by Labcorp Genetics (formerly Invitae), Labcorp); PubMed 21664875 (cited by Labcorp Genetics (formerly Invitae), Labcorp); PubMed 26123418 (cited by Labcorp Genetics (formerly Invitae), Labcorp); PubMed 27807805 (cited by Labcorp Genetics (formerly Invitae), Labcorp); PubMed 9843216 (cited by OMIM); PubMed 10899029 (cited by OMIM).